The following is an entry in ClinVar:

ClinVar aggregate classification (germline): Uncertain significance (1 of 4 stars; one submission).

Allele frequency attached by ClinVar (database versions not stated): gnomAD 0.00002; ExAC 0.00003; gnomAD exomes 0.00003.
gnomAD v4.1: 44 of 1,538,004 alleles (0.0029%); highest among the groups gnomAD compares: East Asian, 0.0049%; no homozygotes.

Submission:

Labcorp Genetics (formerly Invitae), Labcorp
Classification: Uncertain significance. Last evaluated: 2022-05-12. Review status: criteria provided, single submitter. Criteria: Invitae Variant Classification Sherloc (09022015). Collection method: clinical testing. Allele origin: germline.
Comment: This sequence change replaces arginine, which is basic and polar, with tryptophan, which is neutral and slightly polar, at codon 1967 of the CACNA1B protein (p.Arg1967Trp). This variant is present in population databases (rs777033250, gnomAD 0.02%). This variant has not been reported in the literature in individuals affected with CACNA1B-related conditions. Advanced modeling of protein sequence and biophysical properties (such as structural, functional, and spatial information, amino acid conservation, physicochemical variation, residue mobility, and thermodynamic stability) performed at Invitae indicates that this missense variant is not expected to disrupt CACNA1B protein function. In summary, the available evidence is currently insufficient to determine the role of this variant in disease. Therefore, it has been classified as a Variant of Uncertain Significance.

NM_000718.4(CACNA1B):c.5899C>T (p.Arg1967Trp)

Gene: CACNA1B (calcium voltage-gated channel subunit alpha1 B; plus strand). Cytogenetic location: 9q34.3.
Variant type: single nucleotide variant.
Coding change: c.5899C>T on transcript NM_000718.4 (MANE Select); coding-DNA position 5899, C replaced by T.
Protein change: p.Arg1967Trp; replaces arginine 1967 with tryptophan.
Molecular consequence: missense variant.
Genome position (GRCh38, 1-based): chr9:138,118,067, C>T. VCF-style: chr9-138118067-C-T. GRCh37 (hg19) VCF-style: chr9-141012519-C-T.
Other names: c.5899C>T, p.Arg1967Trp (NM_001243812.2); short protein forms R1967W.
Identifiers: ClinVar variation 1897413 (VCV001897413.2), dbSNP rs777033250, ClinGen allele CA5377521.